The following is an entry in ClinVar:

NM_000256.3(MYBPC3):c.1411G>A (p.Val471Met)

Gene: MYBPC3 (myosin binding protein C3; minus strand). Cytogenetic location: 11p11.2.
Variant type: single nucleotide variant.
Coding change: c.1411G>A on transcript NM_000256.3 (MANE Select); coding-DNA position 1411, G replaced by A.
Protein change: p.Val471Met; replaces valine 471 with methionine.
Molecular consequence: missense variant.
Genome position (GRCh38, 1-based): chr11:47,342,876, C>T on the plus strand (G>A on the coding strand, the complement: MYBPC3 is on the minus strand). VCF-style: chr11-47342876-C-T. GRCh37 (hg19) VCF-style: chr11-47364427-C-T.
Other names: c.1411G>A, p.Val471Met (LRG_386t1); short protein forms V471M.
Identifiers: ClinVar variation 654495 (VCV000654495.9), dbSNP rs1378189986, ClinGen allele CA380325966.

ClinVar aggregate classification (germline): Uncertain significance. Review status: criteria provided, multiple submitters, no conflicts (2 of 4 stars). 4 submissions from 4 submitters: Uncertain significance (4). Last evaluated 2026-02-19.

Conditions:
Cardiovascular phenotype. Identifiers: MedGen CN230736.
Cardiomyopathy (CMYO). Also called: Cardiomyopathies. Identifiers: Orphanet 167848, MedGen C0878544, MONDO:0004994, HP:0001638. Inheritance: Various modes of inheritance.
Hypertrophic cardiomyopathy. Also called: HYPERTROPHIC MYOCARDIOPATHY. Identifiers: Orphanet 217569, MedGen C0007194, MeSH D002312, MONDO:0005045, HP:0001639.

Allele frequency attached by ClinVar (database versions not stated): TOPMed below 0.00001.
gnomAD v4.1: 3 of 1,613,192 alleles (0.00019%); highest among the groups gnomAD compares: Non-Finnish European, 0.00025%; no homozygotes.

Submissions (4):

Ambry Genetics
Classification: Uncertain significance for Cardiovascular phenotype. Last evaluated: 2026-02-19. Review status: criteria provided, single submitter. Criteria: Ambry Variant Classification Scheme 2023. Collection method: clinical testing. Allele origin: germline.
Comment: The p.V471M variant (also known as c.1411G>A), located in coding exon 16 of the MYBPC3 gene, results from a G to A substitution at nucleotide position 1411. The valine at codon 471 is replaced by methionine, an amino acid with highly similar properties. This amino acid position is conserved. In addition, this alteration is predicted to be deleterious by in silico analysis. Based on the available evidence, the clinical significance of this variant remains unclear.

Color Diagnostics, LLC DBA Color Health
Classification: Uncertain significance for Cardiomyopathy. Last evaluated: 2025-06-17. Review status: criteria provided, single submitter. Criteria: ACMG Guidelines, 2015. Collection method: clinical testing. Allele origin: germline.
Comment: This missense variant replaces valine with methionine at codon 471 of the MYBPC3 protein. Computational prediction suggests that this variant may have deleterious impact on protein structure and function. To our knowledge, functional studies have not been reported for this variant. This variant has not been reported in individuals affected with MYBPC3-related disorders in the literature. This variant has not been identified in the general population by the Genome Aggregation Database (gnomAD). The available evidence is insufficient to determine the role of this variant in disease conclusively. Therefore, this variant is classified as a Variant of Uncertain Significance.

All of Us Research Program, National Institutes of Health
Classification: Uncertain significance for Hypertrophic cardiomyopathy. Last evaluated: 2024-05-09. Review status: criteria provided, single submitter. Criteria: ACMG Guidelines, 2015. Collection method: clinical testing. Allele origin: germline. Inheritance: Autosomal dominant inheritance. Observed: 2 variant alleles, 2 heterozygotes.
Comment: This study involves interpretation of variants in research participants for the purpose of population health screening. Participant phenotype was not available at the time of variant classification. Additional details can be found in publication PMID: 35346344, PMCID: PMC8962531

Labcorp Genetics (formerly Invitae), Labcorp
Classification: Uncertain significance for Hypertrophic cardiomyopathy. Last evaluated: 2024-04-17. Review status: criteria provided, single submitter. Criteria: Invitae Variant Classification Sherloc (09022015). Collection method: clinical testing. Allele origin: germline.
Comment: This sequence change replaces valine, which is neutral and non-polar, with methionine, which is neutral and non-polar, at codon 471 of the MYBPC3 protein (p.Val471Met). This variant is not present in population databases (gnomAD no frequency). This variant has not been reported in the literature in individuals affected with MYBPC3-related conditions. ClinVar contains an entry for this variant (Variation ID: 654495). An algorithm developed to predict the effect of missense changes on protein structure and function (PolyPhen-2) suggests that this variant is likely to be disruptive. In summary, the available evidence is currently insufficient to determine the role of this variant in disease. Therefore, it has been classified as a Variant of Uncertain Significance.